The following is an entry in ClinVar:

ClinVar aggregate classification (germline): Uncertain significance (1 of 4 stars; one submission).

Conditions:
Immunodeficiency 64. Also called: IMMUNODEFICIENCY 64 WITH LYMPHOPROLIFERATION. Identifiers: Orphanet 664699, MedGen C5231402, MONDO:0032803, OMIM 618534.

Submission:

3billion
Classification: Uncertain significance for Immunodeficiency 64. Last evaluated: 2025-11-14. Review status: criteria provided, single submitter. Criteria: ACMG Guidelines, 2015. Collection method: clinical testing. Allele origin: germline. Affected: yes.
Comment: The variant is not observed in the gnomAD v4.1.0 dataset. Predicted Consequence/Location: Inframe deletion located in a nonrepeat region: predicted to change the length of the protein and disrupt normal protein function. Therefore, this variant is classified as VUS according to the recommendation of ACMG/AMP guideline.

NM_005739.4(RASGRP1):c.994TCC[2] (p.Ser334del)

Gene: RASGRP1 (RAS guanyl releasing protein 1; minus strand). Cytogenetic location: 15q14.
Variant type: Microsatellite.
Coding change: c.994TCC[2] on transcript NM_005739.4 (MANE Select); two copies in a row of the 3-base unit TCC starting at c.994; the reference has three copies in a row; one copy, 3 bases deleted; also written c.1000_1002del.
Protein change: p.Ser334del; deletes serine 334.
Molecular consequence: inframe deletion.
Genome position (GRCh38, 1-based): chr15:38,507,966-38,507,968, GGA deleted on the plus strand (TCC on the coding strand, the reverse complement: RASGRP1 is on the minus strand); deleting any 3 consecutive bases within chr15:38,507,966-38,507,974 gives the same sequence; the position shown is the placement nearest the transcript's 3' end. VCF-style (leftmost placement, unchanged base first): chr15-38507965-TGGA-T. GRCh37 (hg19) VCF-style: chr15-38800166-TGGA-T.
Other names: c.1000_1002del (NM_005739.4); c.994TCC[2], p.Ser334del (NM_001128602.2, NM_001306086.2); short protein forms S334del.
Identifiers: ClinVar variation 4856170 (VCV004856170.1).